The following is an entry in ClinVar:

NM_001114753.3(ENG):c.1209dup (p.Val404fs)

Genes: ENG (endoglin; minus strand), LOC102723566 (uncharacterized LOC102723566; plus strand). Cytogenetic location: 9q34.11.
Variant type: Duplication.
Coding change: c.1209dup on transcript NM_001114753.3 (MANE Select); coding-DNA position 1209, one base duplicated (T; older notation c.1209dupT).
Protein change: p.Val404fs; shifts the reading frame from valine 404.
Molecular consequence: frameshift variant.
Genome position (GRCh38, 1-based): chr9:127,819,963, A duplicated on the plus strand (T on the coding strand, the reverse complement: ENG is on the minus strand); the first of 3 consecutive A bases (chr9:127,819,963-127,819,965); duplicating any one gives the same sequence. VCF-style (leftmost placement, unchanged base first): chr9-127819962-C-CA. GRCh37 (hg19) VCF-style: chr9-130582241-C-CA.
Other names: c.1207dup, p.Val404Cysfs (NM_000118.4); c.663dup, p.Val222fs (NM_001278138.2); short protein forms V222fs, V404fs.
Identifiers: ClinVar variation 1369615 (VCV001369615.8), dbSNP rs2131879220, ClinGen allele CA2573143984.

ClinVar aggregate classification (germline): Pathogenic (1 of 4 stars; one submission).

Conditions:
Hereditary hemorrhagic telangiectasia (HHT). Also called: ORW DISEASE; Osler Weber Rendu syndrome; OSLER-RENDU-WEBER DISEASE; Osler hemorrhagic telangiectasia syndrome. Identifiers: Orphanet 774, MedGen C0039445, MONDO:0019180. Disease mechanism: loss of function.

Submission:

Labcorp Genetics (formerly Invitae), Labcorp
Classification: Pathogenic for Hereditary hemorrhagic telangiectasia. Last evaluated: 2024-08-11. Review status: criteria provided, single submitter. Criteria: Invitae Variant Classification Sherloc (09022015). Collection method: clinical testing. Allele origin: germline.
Comment: This sequence change creates a premature translational stop signal (p.Val404Cysfs*21) in the ENG gene. It is expected to result in an absent or disrupted protein product. Loss-of-function variants in ENG are known to be pathogenic (PMID: 15879500). This variant is not present in population databases (gnomAD no frequency). This variant has not been reported in the literature in individuals affected with ENG-related conditions. ClinVar contains an entry for this variant (Variation ID: 1369615). For these reasons, this variant has been classified as Pathogenic.

Literature cited by the submitters: PubMed 15879500.